The following is an entry in ClinVar:

NM_000179.3(MSH6):c.3784G>A (p.Val1262Met)

Gene: MSH6 (mutS homolog 6; plus strand). Cytogenetic location: 2p16.3.
Variant type: single nucleotide variant.
Coding change: c.3784G>A on transcript NM_000179.3 (MANE Select); coding-DNA position 3784, G replaced by A.
Protein change: p.Val1262Met; replaces valine 1262 with methionine.
Molecular consequence: missense variant.
Genome position (GRCh38, 1-based): chr2:47,806,341, G>A. VCF-style: chr2-47806341-G-A. GRCh37 (hg19) VCF-style: chr2-48033480-G-A.
Other names: c.3394G>A, p.Val1132Met (NM_001281492.2); c.2878G>A, p.Val960Met (NM_001281493.2, NM_001281494.2); short protein forms V1262M, V960M, V1132M.
Identifiers: ClinVar variation 525688 (VCV000525688.11), dbSNP rs587779290, ClinGen allele CA346761163.

ClinVar aggregate classification (germline): Uncertain significance. Review status: criteria provided, multiple submitters, no conflicts (2 of 4 stars). 2 submissions from 2 submitters: Uncertain significance (2). Last evaluated 2026-08-20.

Conditions:
Hereditary nonpolyposis colorectal neoplasms. Identifiers: MedGen C0009405, MeSH D003123.
Hereditary cancer-predisposing syndrome. Also called: Hereditary Cancer Syndrome; Tumor predisposition; Hereditary neoplastic syndrome; Neoplastic Syndromes, Hereditary. Identifiers: Orphanet 140162, MedGen C0027672, MeSH D009386, MONDO:0015356.

Submissions (2):

Ambry Genetics
Classification: Uncertain significance for Hereditary cancer-predisposing syndrome. Last evaluated: 2026-08-20. Review status: criteria provided, single submitter. Criteria: Ambry Variant Classification Scheme 2023. Collection method: clinical testing. Allele origin: germline.
Comment: The p.V1262M variant (also known as c.3784G>A), located in coding exon 8 of the MSH6 gene, results from a G to A substitution at nucleotide position 3784. The valine at codon 1262 is replaced by methionine, an amino acid with highly similar properties. This amino acid position is conserved. In addition, this alteration is predicted to be deleterious by in silico analysis. Based on the available evidence, the clinical significance of this variant remains unclear.

Labcorp Genetics (formerly Invitae), Labcorp
Classification: Uncertain significance for Hereditary nonpolyposis colorectal neoplasms. Last evaluated: 2017-11-27. Review status: criteria provided, single submitter. Criteria: Invitae Variant Classification Sherloc (09022015). Collection method: clinical testing. Allele origin: germline.
Comment: In summary, the available evidence is currently insufficient to determine the role of this variant in disease. Therefore, it has been classified as a Variant of Uncertain Significance. Algorithms developed to predict the effect of missense changes on protein structure and function do not agree on the potential impact of this missense change (SIFT: "Deleterious"; PolyPhen-2: "Probably Damaging"; Align-GVGD: "Class C0"). This variant has not been reported in the literature in individuals with MSH6-related disease. This variant is not present in population databases (ExAC no frequency). This sequence change replaces valine with methionine at codon 1262 of the MSH6 protein (p.Val1262Met). The valine residue is highly conserved and there is a small physicochemical difference between valine and methionine.